The following is an entry in ClinVar:

NM_006899.5(IDH3B):c.1101C>A (p.Ser367Arg)

Gene: IDH3B (isocitrate dehydrogenase (NAD(+)) 3 non-catalytic subunit beta; minus strand). Cytogenetic location: 20p13.
Variant type: single nucleotide variant.
Coding change: c.1101C>A on transcript NM_006899.5 (MANE Select); coding-DNA position 1101, C replaced by A.
Protein change: p.Ser367Arg; replaces serine 367 with arginine.
Molecular consequence: missense variant. On other transcripts: non-coding transcript variant (1), intron variant (1).
Genome position (GRCh38, 1-based): chr20:2,658,808, G>T on the plus strand (C>A on the coding strand, the complement: IDH3B is on the minus strand). VCF-style: chr20-2658808-G-T. GRCh37 (hg19) VCF-style: chr20-2639454-G-T.
Other names: c.1101C>A, p.Ser367Arg (NM_001330763.2); c.1072-286C>A (NM_174855.4); short protein forms S367R.
Identifiers: ClinVar variation 2114969 (VCV002114969.4), dbSNP rs2514750687, ClinGen allele CA408032594.

ClinVar aggregate classification (germline): Uncertain significance (1 of 4 stars; one submission).

Submission:

Labcorp Genetics (formerly Invitae), Labcorp
Classification: Uncertain significance. Last evaluated: 2022-03-20. Review status: criteria provided, single submitter. Criteria: Invitae Variant Classification Sherloc (09022015). Collection method: clinical testing. Allele origin: germline.
Comment: This variant is not present in population databases (gnomAD no frequency). In summary, the available evidence is currently insufficient to determine the role of this variant in disease. Therefore, it has been classified as a Variant of Uncertain Significance. Algorithms developed to predict the effect of missense changes on protein structure and function are either unavailable or do not agree on the potential impact of this missense change (SIFT: "Not Available"; PolyPhen-2: "Benign"; Align-GVGD: "Not Available"). This variant has not been reported in the literature in individuals affected with IDH3B-related conditions. This sequence change replaces serine, which is neutral and polar, with arginine, which is basic and polar, at codon 367 of the IDH3B protein (p.Ser367Arg).